The following is an entry in ClinVar:

ClinVar aggregate classification (germline): Uncertain significance. Review status: criteria provided, multiple submitters, no conflicts (2 of 4 stars). 12 submissions from 12 submitters: Uncertain significance (12). Last evaluated 2026-01-16.

Conditions:
Hereditary cancer-predisposing syndrome. Also called: Tumor predisposition; Hereditary Cancer Syndrome; Hereditary neoplastic syndrome; Neoplastic Syndromes, Hereditary. Identifiers: Orphanet 140162, MedGen C0027672, MeSH D009386, MONDO:0015356.
Breast-ovarian cancer, familial, susceptibility to, 4. Identifiers: Orphanet 145, MedGen C3280345, MONDO:0013669, OMIM 614291.

Allele frequency attached by ClinVar (database versions not stated): TOPMed 0.00002; ESP Exome Variant Server 0.00008; 1000 Genomes Project 30x 0.00016; 1000 Genomes Project 0.00020.
gnomAD v4.1: 35 of 1,614,086 alleles (0.0022%); highest among the groups gnomAD compares: Non-Finnish European, 0.0027%; no homozygotes.

Submissions (12):

Labcorp Genetics (formerly Invitae), Labcorp
Classification: Uncertain significance for Breast-ovarian cancer, familial, susceptibility to, 4. Last evaluated: 2026-01-16. Review status: criteria provided, single submitter. Criteria: Invitae Variant Classification Sherloc (09022015). Collection method: clinical testing. Allele origin: germline.
Comment: This sequence change replaces asparagine, which is neutral and polar, with aspartic acid, which is acidic and polar, at codon 138 of the RAD51D protein (p.Asn138Asp). This variant is present in population databases (rs141690729, gnomAD 0.007%). This variant has not been reported in the literature in individuals affected with RAD51D-related conditions. ClinVar contains an entry for this variant (Variation ID: 182858). Invitae Evidence Modeling of protein sequence and biophysical properties (such as structural, functional, and spatial information, amino acid conservation, physicochemical variation, residue mobility, and thermodynamic stability) indicates that this missense variant is not expected to disrupt RAD51D protein function with a negative predictive value of 80%. In summary, the available evidence is currently insufficient to determine the role of this variant in disease. Therefore, it has been classified as a Variant of Uncertain Significance.

Ambry Genetics
Classification: Uncertain significance for Hereditary cancer-predisposing syndrome. Last evaluated: 2025-07-04. Review status: criteria provided, single submitter. Criteria: Ambry Variant Classification Scheme 2023. Collection method: clinical testing. Allele origin: germline.
Comment: The p.N138D variant (also known as c.412A>G), located in coding exon 5 of the RAD51D gene, results from an A to G substitution at nucleotide position 412. The asparagine at codon 138 is replaced by aspartic acid, an amino acid with highly similar properties. This amino acid position is not well conserved in available vertebrate species. In addition, this alteration is predicted to be tolerated by in silico analysis. Since supporting evidence is limited at this time, the clinical significance of this alteration remains unclear.

Center for Genomic Medicine, Rigshospitalet, Copenhagen University Hospital
Classification: Uncertain significance. Last evaluated: 2025-03-04. Review status: criteria provided, single submitter. Criteria: ACMG Guidelines, 2015. Collection method: clinical testing. Allele origin: germline.

GeneDx
Classification: Uncertain significance. Last evaluated: 2024-12-05. Review status: criteria provided, single submitter. Criteria: GeneDx Variant Classification Process June 2021. Collection method: clinical testing. Allele origin: germline. Affected: yes.
Comment: In silico analysis indicates that this missense variant does not alter protein structure/function; Observed in cases and controls in a breast cancer study (PMID: 33471991); This variant is associated with the following publications: (PMID: 21111057, 14704354, 19327148, 33471991)

KCCC/NGS Laboratory, Kuwait Cancer Control Center
Classification: Uncertain significance for Breast-ovarian cancer, familial, susceptibility to, 4. Last evaluated: 2024-05-27. Review status: criteria provided, single submitter. Criteria: ACMG Guidelines, 2015. Collection method: clinical testing. Allele origin: germline. Inheritance: Autosomal dominant inheritance. Affected: yes. Observed: 1 heterozygote.
Comment: This sequence change replaces asparagine, which is neutral and polar, with aspartic acid, which is acidic and polar, at codon 138 of the RAD51D protein (p.Asn138Asp). This amino acid position is not well conserved. This variant is present in population databases (rs141690729, gnomAD 0.007%). This variant has not been reported in the literature in individuals affected with RAD51D-related conditions. ClinVar contains an entry for this variant (Variation ID: 182858). In silico analysis supports that this missense variant does not alter protein structure/function. In summary, the available evidence is currently insufficient to determine the role of this variant in disease. Therefore, it has been classified as a Variant of Uncertain Significance.

Fulgent Genetics
Classification: Uncertain significance for Breast-ovarian cancer, familial, susceptibility to, 4. Last evaluated: 2024-05-21. Review status: criteria provided, single submitter. Criteria: ACMG Guidelines, 2015. Collection method: clinical testing. Allele origin: germline.

Baylor Genetics
Classification: Uncertain significance for Breast-ovarian cancer, familial, susceptibility to, 4. Last evaluated: 2024-03-29. Review status: criteria provided, single submitter. Criteria: ACMG Guidelines, 2015. Collection method: clinical testing. Allele origin: unknown.

Color Diagnostics, LLC DBA Color Health
Classification: Uncertain significance for Hereditary cancer-predisposing syndrome. Last evaluated: 2024-03-28. Review status: criteria provided, single submitter. Criteria: ACMG Guidelines, 2015. Collection method: clinical testing. Allele origin: germline.
Comment: This missense variant replaces asparagine with aspartic acid at codon 138 of the RAD51D protein. Computational prediction suggests that this variant may not impact protein structure and function. To our knowledge, functional studies have not been reported for this variant. This variant has not been reported in individuals affected with ovarian cancer in the literature. In a breast cancer case-control study, this variant has not shown a significant association with disease (PMID: 33471991; Leiden Open Variation Database DB-ID RAD51D_000147). This variant has been identified in 10/282832 chromosomes in the general population by the Genome Aggregation Database (gnomAD). The available evidence is insufficient to determine the role of this variant in disease conclusively. Therefore, this variant is classified as a Variant of Uncertain Significance.

MGZ Medical Genetics Center
Classification: Uncertain significance for Breast-ovarian cancer, familial, susceptibility to, 4. Last evaluated: 2022-04-22. Review status: criteria provided, single submitter. Criteria: ACMG Guidelines, 2015. Collection method: clinical testing. Allele origin: germline. Affected: yes. Observed: 1 variant allele.
Comment: ACMG criteria applied: PM2_SUP, BP4

Sema4
Classification: Uncertain significance for Hereditary cancer-predisposing syndrome. Last evaluated: 2022-01-23. Review status: criteria provided, single submitter. Criteria: Sema4 Curation Guidelines. Collection method: curation. Allele origin: germline.
Comment: The RAD51D c.412A>G (p.N138D) variant has been reported in a large case-control study in 7/60466 breast cancer cases and in 2/53461 controls (PMID 33471991). It was observed in 9/129154 chromosomes of the Non-Finnish European subpopulation in the large and broad cohorts of the Genome Aggregation Database (PMID: 32461654). The variant has been reported in ClinVar (Variation ID 182858). Functional studies have not been performed, and in silico predictions of the variant's effect on protein function are inconclusive. The evidence is insufficient to meet ACMG/AMP criteria for classifying the variant as benign or pathogenic. Thus, the clinical significance of this variant is currently uncertain.

Quest Diagnostics Nichols Institute San Juan Capistrano
Classification: Uncertain significance. Last evaluated: 2018-12-31. Review status: criteria provided, single submitter. Criteria: Quest Diagnostics criteria. Collection method: clinical testing. Allele origin: germline.

Women's Health and Genetics/Laboratory Corporation of America, LabCorp
Classification: Uncertain significance. Last evaluated: 2017-07-21. Review status: criteria provided, single submitter. Criteria: LabCorp Variant Classification Summary - May 2015. Collection method: clinical testing. Allele origin: germline.
Comment: Variant summary: The RAD51D c.412A>G (p.Asn138Asp) variant located in the DNA recombination and repair protein Rad51-like, C-terminal domain (via InterPro) involves the alteration of a conserved nucleotide and 3/3 in silico tools (SNPsandGO and MutationTaster not captured due to low reliability index and p-value, respectively) predict a benign outcome. However, these predictions have yet to be functionally assessed. This variant was found in 10/277158 control chromosomes at a frequency of 0.0000361, which does not exceed the estimated maximal expected allele frequency of a pathogenic RAD51D variant (0.000125). In addition, multiple clinical diagnostic laboratories/reputable databases classified this variant as uncertain significance. The variant of interest has not, to our knowledge, been reported in affected individuals via publications. Because of the absence of clinical information and the lack of functional studies, the variant is classified as a "Variant of Uncertain Significance (VUS)," until additional information becomes available.

Literature cited by the submitters: PubMed 33471991 (cited by Color Diagnostics, LLC DBA Color Health and Sema4).

NM_002878.4(RAD51D):c.412A>G (p.Asn138Asp)

Genes: RAD51D (RAD51 paralog D; minus strand), RAD51L3-RFFL (RAD51L3-RFFL readthrough; minus strand). Cytogenetic location: 17q12.
Variant type: single nucleotide variant.
Coding change: c.412A>G on transcript NM_002878.4 (MANE Select); coding-DNA position 412, A replaced by G.
Protein change: p.Asn138Asp; replaces asparagine 138 with aspartic acid.
Molecular consequence: missense variant. On other transcripts: non-coding transcript variant (1), intron variant (1).
Genome position (GRCh38, 1-based): chr17:35,107,056, T>C on the plus strand (A>G on the coding strand, the complement: RAD51D is on the minus strand). VCF-style: chr17-35107056-T-C. GRCh37 (hg19) VCF-style: chr17-33434075-T-C.
Other names: p.N138D:AAT>GAT; c.472A>G, p.Asn158Asp (NM_001142571.2); c.145-575A>G (NM_133629.3); short protein forms N138D, N158D.
Identifiers: ClinVar variation 182858 (VCV000182858.44), dbSNP rs141690729, ClinGen allele CA299932.